The following is an entry in ClinVar:

NM_000051.4(ATM):c.6808-7A>G

Genes: ATM (ATM serine/threonine kinase; plus strand), C11orf65 (chromosome 11 open reading frame 65; minus strand). Cytogenetic location: 11q22.3.
Variant type: single nucleotide variant.
Coding change: c.6808-7A>G on transcript NM_000051.4 (MANE Select); 7 bases into the intron before coding-DNA position 6808, A replaced by G.
Molecular consequence: intron variant.
Genome position (GRCh38, 1-based): chr11:108,326,051, A>G. VCF-style: chr11-108326051-A-G. GRCh37 (hg19) VCF-style: chr11-108196778-A-G.
Other names: c.6808-7A>G (NM_001351834.2); c.641-16980T>C (NM_001330368.2); c.*38+9169T>C (NM_001351110.2).
Identifiers: ClinVar variation 926462 (VCV000926462.12), dbSNP rs2085644108, ClinGen allele CA1139662255.

ClinVar aggregate classification (germline): Conflicting classifications of pathogenicity. Review status: criteria provided, conflicting classifications (1 of 4 stars). 2 submissions from 2 submitters: Uncertain significance (1); Likely benign (1). Last evaluated 2019-08-12.

Conditions:
Hereditary cancer-predisposing syndrome. Also called: Tumor predisposition; Neoplastic Syndromes, Hereditary; Hereditary neoplastic syndrome; Hereditary Cancer Syndrome. Identifiers: Orphanet 140162, MedGen C0027672, MeSH D009386, MONDO:0015356.
Ataxia-telangiectasia syndrome (AT). Also called: Ataxia-telangiectasia, complementation group D; AT, COMPLEMENTATION GROUP C; ATAXIA-TELANGIECTASIA, COMPLEMENTATION GROUP A; ATAXIA-TELANGIECTASIA, FRESNO VARIANT; Ataxia-telangiectasia; Ataxia telangiectasia (A-T). Identifiers: Orphanet 100, MedGen C0004135, MONDO:0008840, OMIM 208900.

Submissions (2):

Color Diagnostics, LLC DBA Color Health
Classification: Uncertain significance for Hereditary cancer-predisposing syndrome. Last evaluated: 2019-08-12. Review status: criteria provided, single submitter. Criteria: ACMG Guidelines, 2015. Collection method: clinical testing. Allele origin: germline.
Comment: This variant causes an A>G nucleotide substitution at the -7 position of intron 46 of the ATM gene. To our knowledge, functional assays have not been performed for this variant nor has this variant been reported in individuals affected with hereditary cancer in the literature. This variant has not been identified in the general population by the Genome Aggregation Database (gnomAD). Available evidence is insufficient to determine the role of this variant in disease conclusively. Therefore, this variant is classified as a Variant of Uncertain Significance.

Labcorp Genetics (formerly Invitae), Labcorp
Classification: Likely benign for Ataxia-telangiectasia syndrome. Last evaluated: 2019-07-10. Review status: criteria provided, single submitter. Criteria: Invitae Variant Classification Sherloc (09022015). Collection method: clinical testing. Allele origin: germline.